The following is an entry in ClinVar:

ClinVar aggregate classification (germline): Uncertain significance (1 of 4 stars; one submission).

Conditions:
Developmental and epileptic encephalopathy, 42 (DEE42A). Also called: DEVELOPMENTAL AND EPILEPTIC ENCEPHALOPATHY 42A; EPILEPTIC ENCEPHALOPATHY, EARLY INFANTILE, 42A; Epileptic encephalopathy, early infantile, 42. Identifiers: MedGen C4310716, MONDO:0014917, OMIM 617106.
Episodic ataxia type 2 (EA2). Also called: CEREBELLAR ATAXIA, PAROXYSMAL, ACETAZOLAMIDE-RESPONSIVE; CEREBELLOPATHY, HEREDITARY PAROXYSMAL; EPISODIC ATAXIA, NYSTAGMUS-ASSOCIATED; ACETAZOLAMIDE-RESPONSIVE HEREDITARY PAROXYSMAL CEREBELLAR ATAXIA; ATAXIA, EPISODIC, WITH NYSTAGMUS; ATAXIA, FAMILIAL PAROXYSMAL. Identifiers: Orphanet 97, MedGen C1720416, MONDO:0007163, OMIM 108500.

Allele frequency attached by ClinVar (database versions not stated): gnomAD 0.00001.
gnomAD v4.1: 1 of 1,498,048 alleles (0.000067%); highest among the groups gnomAD compares: African/African-American, 0.0015%; no homozygotes.

Submission:

Labcorp Genetics (formerly Invitae), Labcorp
Classification: Uncertain significance for Developmental and epileptic encephalopathy, 42; Episodic ataxia type 2. Last evaluated: 2020-10-07. Review status: criteria provided, single submitter. Criteria: Invitae Variant Classification Sherloc (09022015). Collection method: clinical testing. Allele origin: germline.
Comment: In summary, the available evidence is currently insufficient to determine the role of this variant in disease. Therefore, it has been classified as a Variant of Uncertain Significance. Algorithms developed to predict the effect of missense changes on protein structure and function (SIFT, PolyPhen-2, Align-GVGD) all suggest that this variant is likely to be tolerated, but these predictions have not been confirmed by published functional studies and their clinical significance is uncertain. This variant has not been reported in the literature in individuals with CACNA1A-related conditions. The frequency data for this variant in the population databases is considered unreliable, as metrics indicate insufficient coverage at this position in the ExAC database. This sequence change replaces glycine with serine at codon 992 of the CACNA1A protein (p.Gly992Ser). The glycine residue is moderately conserved and there is a small physicochemical difference between glycine and serine.

NM_001127222.2(CACNA1A):c.2971G>A (p.Gly991Ser)

Gene: CACNA1A (calcium voltage-gated channel subunit alpha1 A; minus strand). Cytogenetic location: 19p13.13.
Variant type: single nucleotide variant.
Coding change: c.2971G>A on transcript NM_001127222.2 (MANE Select); coding-DNA position 2971, G replaced by A.
Protein change: p.Gly991Ser; replaces glycine 991 with serine.
Molecular consequence: missense variant.
Genome position (GRCh38, 1-based): chr19:13,298,662, C>T on the plus strand (G>A on the coding strand, the complement: CACNA1A is on the minus strand). VCF-style: chr19-13298662-C-T. GRCh37 (hg19) VCF-style: chr19-13409476-C-T.
Other names: c.2983G>A, p.Gly995Ser (NM_000068.4, NM_023035.3); c.2974G>A, p.Gly992Ser (NM_001127221.2, NM_001174080.2); short protein forms G995S, G992S, G991S.
Identifiers: ClinVar variation 1039985 (VCV001039985.9), dbSNP rs2057722310, ClinGen allele CA404342343.
Genomic context (GRCh38, chr19:13,298,662, plus strand): 5'-CTGGAGCGCCATGCCGGTGCCTTCTCCTGCGCTCGCCCCCGTCGGGGCCCTCGCCCTCGC[C>T]CTCGCCGCCCCGGGCCGGCCGGCTGCCCTCGCGGTGCCGCGCCCTCCGCTCCGCCTTGTC-3'
Protein context (NP_001120694.1, residues 981-1001): EGSRPARGGE[Gly991Ser]EGEGPDGGER